The following is an entry in ClinVar:

NM_016006.6(ABHD5):c.36C>T (p.Asp12=)

Genes: ABHD5 (abhydrolase domain containing 5, lysophosphatidic acid acyltransferase; plus strand), ANO10 (anoctamin 10; minus strand). Cytogenetic location: 3p21.33.
Variant type: single nucleotide variant.
Coding change: c.36C>T on transcript NM_016006.6 (MANE Select); coding-DNA position 36, C replaced by T.
Protein change: p.Asp12=; no amino-acid change (aspartic acid 12 retained).
Molecular consequence: synonymous variant. On other transcripts: non-coding transcript variant (1), intron variant (2).
Genome position (GRCh38, 1-based): chr3:43,691,028, C>T. VCF-style: chr3-43691028-C-T. GRCh37 (hg19) VCF-style: chr3-43732520-C-T.
Other names: c.-12+489G>A (NM_001346469.2, NM_001346468.2); c.36C>T, p.Asp12= (NM_001355186.2, NM_001365650.1).
Identifiers: ClinVar variation 2983573 (VCV002983573.4), dbSNP rs202004711, ClinGen allele CA74390377.
Genomic context (GRCh38, chr3:43,691,028, plus strand): 5'-TCCCGGCGCTTGCGCGGCGGCGGCTATGGCGGCGGAGGAGGAGGAGGTGGACTCTGCCGA[C>T]ACCGGAGAGAGGTAAGCGCAGCCGGCAGGGGGCTTCGTGTGTCTCCGGCGCGCACCCTCC-3'
Protein context (NP_057090.2, residues 2-22): AAEEEEVDSA[Asp12=]TGERSGWLTG

ClinVar aggregate classification (germline): Likely benign. Review status: criteria provided, multiple submitters, no conflicts (2 of 4 stars). 2 submissions from 2 submitters: Likely benign (2). Last evaluated 2025-10-22.

Conditions:
ABHD5-related disorder. Also called: ABHD5-related condition.

Allele frequency attached by ClinVar (database versions not stated): gnomAD exomes 0.00002.
gnomAD v4.1: 9 of 1,562,348 alleles (0.00058%); highest among the groups gnomAD compares: Non-Finnish European, 0.00078%; no homozygotes.

Submissions (2):

PreventionGenetics, part of Exact Sciences
Classification: Likely benign for ABHD5-related condition. Last evaluated: 2025-10-22. Review status: criteria provided, single submitter. Criteria: ACMG Guidelines, 2015. Collection method: clinical testing. Allele origin: germline.
Comment: This variant is classified as likely benign based on ACMG/AMP sequence variant interpretation guidelines (Richards et al. 2015 PMID: 25741868, with internal and published modifications).

Labcorp Genetics (formerly Invitae), Labcorp
Classification: Likely benign. Last evaluated: 2023-12-09. Review status: criteria provided, single submitter. Criteria: Invitae Variant Classification Sherloc (09022015). Collection method: clinical testing. Allele origin: germline.